The following is an entry in ClinVar:

NM_001349074.2(TBC1D5):c.2078C>A (p.Ala693Glu)

Gene: TBC1D5 (TBC1 domain family member 5; minus strand). Cytogenetic location: 3p24.3.
Variant type: single nucleotide variant.
Coding change: c.2078C>A on transcript NM_001349074.2 (MANE Select); coding-DNA position 2078, C replaced by A.
Protein change: p.Ala693Glu; replaces alanine 693 with glutamic acid.
Molecular consequence: missense variant.
Genome position (GRCh38, 1-based): chr3:17,166,849, G>T on the plus strand (C>A on the coding strand, the complement: TBC1D5 is on the minus strand). VCF-style: chr3-17166849-G-T. GRCh37 (hg19) VCF-style: chr3-17208341-G-T.
Other names: c.2078C>A, p.Ala693Glu (NM_001134381.2, NM_001349073.2, NM_001349075.2); c.2012C>A, p.Ala671Glu (NM_001349076.2, NM_001349077.2, NM_001349078.2 and 3 more transcripts); c.2033C>A, p.Ala678Glu (NM_001349081.2); c.1670C>A, p.Ala557Glu (NM_001349082.2, NM_001349083.2, NM_001349084.2 and 2 more transcripts); c.1604C>A, p.Ala535Glu (NM_001349087.2, NM_001349088.2, NM_001349089.2 and 2 more transcripts); short protein forms A535E, A557E, A671E, A678E, A693E.
Identifiers: ClinVar variation 3034707 (VCV003034707.2), dbSNP rs139210370, ClinGen allele CA2281111.
Genomic context (GRCh38, chr3:17,166,849, plus strand): 5'-TGAACGCTCTGGCCTTGGCCTCGGCCCTGGCCCTGGCCGCTGGAGCAGTAGTGGTTGTCC[G>T]CAATGGTGATCTGTTCGTTCTCTTCGGCCTCTAGCTGGCTCTGGTTAAAACGCAGGGAAC-3'
Protein context (NP_001336003.1, residues 683-703): EAEENEQITI[Ala693Glu]DNHYCSSGQG

ClinVar aggregate classification (germline): Likely benign (0 of 4 stars; one submission).

Conditions:
TBC1D5-related disorder. Also called: TBC1D5-related condition.

Allele frequency attached by ClinVar (database versions not stated): TOPMed 0.00067; ESP Exome Variant Server 0.00077; gnomAD 0.00084; 1000 Genomes Project 30x 0.00141; 1000 Genomes Project 0.00160.
gnomAD v4.1: 1,593 of 1,614,162 alleles (0.099%); highest among the groups gnomAD compares: South Asian, 0.34%; 9 homozygotes.

Submission:

PreventionGenetics, part of Exact Sciences
Classification: Likely benign for TBC1D5-related condition. Last evaluated: 2022-11-19. Review status: no assertion criteria provided. Collection method: clinical testing. Allele origin: germline.
Comment: This variant is classified as likely benign based on ACMG/AMP sequence variant interpretation guidelines (Richards et al. 2015 PMID: 25741868, with internal and published modifications).